The following is an entry in ClinVar:

NM_006767.4(LZTR1):c.856G>A (p.Gly286Arg)

Gene: LZTR1 (leucine zipper like post translational regulator 1; plus strand). Cytogenetic location: 22q11.21.
Variant type: single nucleotide variant.
Coding change: c.856G>A on transcript NM_006767.4 (MANE Select); coding-DNA position 856, G replaced by A.
Protein change: p.Gly286Arg; replaces glycine 286 with arginine.
Molecular consequence: missense variant.
Genome position (GRCh38, 1-based): chr22:20,991,692, G>A. VCF-style: chr22-20991692-G-A. GRCh37 (hg19) VCF-style: chr22-21345981-G-A.
Other names: short protein forms G286R.
Identifiers: ClinVar variation 1763885 (VCV001763885.14), dbSNP rs773016962, ClinGen allele CA10118653.
Genomic context (GRCh38, chr22:20,991,692, plus strand): 5'-ACACGCATCCCAACTGAACACCTGCTCCGGGGCTCCCCACCACCCCCGCAGCGGCGCTAC[G>A]GGCATACCATGGTGGCCTTTGACCGCCACCTCTATGTGTTTGGGGGTGCGGCCGACAACA-3'
Protein context (NP_006758.2, residues 276-296): GSPPPPQRRY[Gly286Arg]HTMVAFDRHL

ClinVar aggregate classification (germline): Conflicting classifications of pathogenicity. Review status: criteria provided, conflicting classifications (1 of 4 stars). 5 submissions from 5 submitters: Likely pathogenic (1); Uncertain significance (4). Last evaluated 2026-10-09.

Conditions:
LZTR1-related schwannomatosis. Also called: Schwannomatosis 2; Schwannomatosis-2, susceptibility to. Identifiers: Orphanet 93921, MedGen C3810283, MONDO:0014299, OMIM 615670.
Hereditary cancer-predisposing syndrome. Also called: Neoplastic Syndromes, Hereditary; Tumor predisposition; Hereditary neoplastic syndrome; Hereditary Cancer Syndrome. Identifiers: Orphanet 140162, MedGen C0027672, MeSH D009386, MONDO:0015356.
Cardiovascular phenotype. Identifiers: MedGen CN230736.

Allele frequency attached by ClinVar (database versions not stated): gnomAD exomes 0.00001; TOPMed 0.00001; gnomAD 0.00001; ExAC 0.00002.
gnomAD v4.1: 14 of 1,602,756 alleles (0.00087%); highest among the groups gnomAD compares: Admixed American, 0.0017%; no homozygotes.

Submissions (5):

GeneDx
Classification: Likely pathogenic. Last evaluated: 2026-10-09. Review status: criteria provided, single submitter. Criteria: GeneDx Variant Classification Process June 2021. Collection method: clinical testing. Allele origin: germline.
Comment: Identified in patients with clinical features of LZTR1-related RASopathy referred for genetic testing at GeneDx and in published literature (PMID: 31533111); In silico analysis supports that this missense variant has a deleterious effect on protein structure/function; Not observed at significant frequency in large population cohorts (gnomAD); This variant is associated with the following publications: (PMID: 30481304, 39062695, 25480913, 31533111)

Ambry Genetics
Classification: Uncertain significance for Cardiovascular phenotype; Hereditary cancer-predisposing syndrome. Last evaluated: 2025-08-15. Review status: criteria provided, single submitter. Criteria: Ambry Variant Classification Scheme 2023. Collection method: clinical testing. Allele origin: germline.
Comment: The p.G286R variant (also known as c.856G>A), located in coding exon 9 of the LZTR1 gene, results from a G to A substitution at nucleotide position 856. The glycine at codon 286 is replaced by arginine, an amino acid with dissimilar properties. This variant has been reported in a patient with schwannomatosis (Smith MJ et al. Neurology, 2015 Jan;84:141-7). Limited functional studies using cDNA constructs showed no significant difference in protein stability from wild type protein; however, studies examining the impact of this variant on subcellular localization, binding to cullin 3 (CUL3), and mitogen-associated protein kinase (MAPK) signaling were not conducted (Motta M et al. Hum Mol Genet, 2019 03;28:1007-1022). This amino acid position is highly conserved in available vertebrate species. In addition, this alteration is predicted to be deleterious by in silico analysis. Based on the available evidence, the clinical significance of this variant remains unclear.

Labcorp Genetics (formerly Invitae), Labcorp
Classification: Uncertain significance. Last evaluated: 2025-07-18. Review status: criteria provided, single submitter. Criteria: Invitae Variant Classification Sherloc (09022015). Collection method: clinical testing. Allele origin: germline.
Comment: This sequence change replaces glycine, which is neutral and non-polar, with arginine, which is basic and polar, at codon 286 of the LZTR1 protein (p.Gly286Arg). The frequency data for this variant in the population databases is considered unreliable, as metrics indicate poor data quality at this position in the gnomAD database. This missense change has been observed in individual(s) with schwannomatosis (PMID: 25480913). ClinVar contains an entry for this variant (Variation ID: 1763885). Invitae Evidence Modeling of protein sequence and biophysical properties (such as structural, functional, and spatial information, amino acid conservation, physicochemical variation, residue mobility, and thermodynamic stability) indicates that this missense variant is not expected to disrupt LZTR1 protein function with a negative predictive value of 80%. In summary, the available evidence is currently insufficient to determine the role of this variant in disease. Therefore, it has been classified as a Variant of Uncertain Significance.

Baylor Genetics
Classification: Uncertain significance for LZTR1-related schwannomatosis. Last evaluated: 2024-03-28. Review status: criteria provided, single submitter. Criteria: ACMG Guidelines, 2015. Collection method: clinical testing. Allele origin: unknown.

Blueprint Genetics
Classification: Uncertain significance. Last evaluated: 2023-08-04. Review status: criteria provided, single submitter. Criteria: ACMG Guidelines, 2015. Collection method: clinical testing. Allele origin: germline.

Literature cited by the submitters: PubMed 25480913 (cited by Ambry Genetics and Labcorp Genetics (formerly Invitae), Labcorp); PubMed 30481304 (cited by Ambry Genetics).